The following is an entry in ClinVar:

ClinVar aggregate classification (germline): Uncertain significance (1 of 4 stars; one submission).

Submission:

GeneDx
Classification: Uncertain significance. Last evaluated: 2024-06-17. Review status: criteria provided, single submitter. Criteria: GeneDx Variant Classification Process June 2021. Collection method: clinical testing. Allele origin: germline. Affected: yes.
Comment: Not observed at significant frequency in large population cohorts (gnomAD); In silico analysis indicates that this missense variant does not alter protein structure/function; Has not been previously published as pathogenic or benign to our knowledge

NM_001379403.1(WDR26):c.517A>G (p.Ser173Gly)

Gene: WDR26 (WD repeat domain 26; minus strand). Cytogenetic location: 1q42.12.
Variant type: single nucleotide variant.
Coding change: c.517A>G on transcript NM_001379403.1 (MANE Select); coding-DNA position 517, A replaced by G.
Protein change: p.Ser173Gly; replaces serine 173 with glycine.
Molecular consequence: missense variant.
Genome position (GRCh38, 1-based): chr1:224,433,889, T>C on the plus strand (A>G on the coding strand, the complement: WDR26 is on the minus strand). VCF-style: chr1-224433889-T-C. GRCh37 (hg19) VCF-style: chr1-224621591-T-C.
Other names: c.217A>G, p.Ser73Gly (NM_001115113.3, NM_025160.7); short protein forms S173G, S73G.
Identifiers: ClinVar variation 2501606 (VCV002501606.2), dbSNP rs2464796459, ClinGen allele CA344752470.